The following is an entry in ClinVar:

ClinVar aggregate classification (germline): Uncertain significance. Review status: criteria provided, multiple submitters, no conflicts (2 of 4 stars). 2 submissions from 2 submitters: Uncertain significance (2). Last evaluated 2025-11-13.

Conditions:
Hereditary cancer-predisposing syndrome. Also called: Tumor predisposition; Hereditary Cancer Syndrome; Hereditary neoplastic syndrome; Neoplastic Syndromes, Hereditary. Identifiers: Orphanet 140162, MedGen C0027672, MeSH D009386, MONDO:0015356.
Bloom syndrome (BLM). Also called: Bloom-Torre-Machacek syndrome. Identifiers: Orphanet 125, MedGen C0005859, MONDO:0008876, OMIM 210900.

Submissions (2):

Labcorp Genetics (formerly Invitae), Labcorp
Classification: Uncertain significance for Bloom syndrome. Last evaluated: 2025-11-13. Review status: criteria provided, single submitter. Criteria: Invitae Variant Classification Sherloc (09022015). Collection method: clinical testing. Allele origin: germline.
Comment: This sequence change replaces serine, which is neutral and polar, with asparagine, which is neutral and polar, at codon 1394 of the BLM protein (p.Ser1394Asn). This variant is not present in population databases (gnomAD no frequency). This variant has not been reported in the literature in individuals affected with BLM-related conditions. ClinVar contains an entry for this variant (Variation ID: 1483284). An algorithm developed to predict the effect of missense changes on protein structure and function (PolyPhen-2) suggests that this variant is likely to be tolerated. In summary, the available evidence is currently insufficient to determine the role of this variant in disease. Therefore, it has been classified as a Variant of Uncertain Significance.

Ambry Genetics
Classification: Uncertain significance for Hereditary cancer-predisposing syndrome. Last evaluated: 2025-01-11. Review status: criteria provided, single submitter. Criteria: Ambry Variant Classification Scheme 2023. Collection method: clinical testing. Allele origin: germline.
Comment: The p.S1394N variant (also known as c.4181G>A), located in coding exon 21 of the BLM gene, results from a G to A substitution at nucleotide position 4181. The serine at codon 1394 is replaced by asparagine, an amino acid with highly similar properties. This amino acid position is conserved. In addition, this alteration is predicted to be tolerated by in silico analysis. Based on the available evidence, the clinical significance of this variant remains unclear.

NM_000057.4(BLM):c.4181G>A (p.Ser1394Asn)

Gene: BLM (BLM RecQ like helicase; plus strand). Cytogenetic location: 15q26.1.
Variant type: single nucleotide variant.
Coding change: c.4181G>A on transcript NM_000057.4 (MANE Select); coding-DNA position 4181, G replaced by A.
Protein change: p.Ser1394Asn; replaces serine 1394 with asparagine.
Molecular consequence: missense variant.
Genome position (GRCh38, 1-based): chr15:90,815,206, G>A. VCF-style: chr15-90815206-G-A. GRCh37 (hg19) VCF-style: chr15-91358436-G-A.
Other names: c.4181G>A, p.Ser1394Asn (NM_001287246.2); c.3788G>A, p.Ser1263Asn (NM_001287247.2); c.3056G>A, p.Ser1019Asn (NM_001287248.2); c.4181G>A (NM_000057.2); short protein forms S1394N, S1019N, S1263N.
Identifiers: ClinVar variation 1483284 (VCV001483284.9), dbSNP rs2151202380, ClinGen allele CA393852513.